The following is an entry in ClinVar:

ClinVar aggregate classification (germline): Conflicting classifications of pathogenicity. Review status: criteria provided, conflicting classifications (1 of 4 stars). 2 submissions from 2 submitters: Uncertain significance (1); Likely benign (1). Last evaluated 2026-02-03.

Conditions:
Hereditary cancer-predisposing syndrome. Also called: Tumor predisposition; Hereditary neoplastic syndrome; Neoplastic Syndromes, Hereditary; Hereditary Cancer Syndrome. Identifiers: Orphanet 140162, MedGen C0027672, MeSH D009386, MONDO:0015356.

Submissions (2):

Labcorp Genetics (formerly Invitae), Labcorp
Classification: Uncertain significance. Last evaluated: 2026-02-03. Review status: criteria provided, single submitter. Criteria: Invitae Variant Classification Sherloc (09022015). Collection method: clinical testing. Allele origin: germline.
Comment: This sequence change replaces serine, which is neutral and polar, with arginine, which is basic and polar, at codon 297 of the CTNNA1 protein (p.Ser297Arg). This variant is not present in population databases (gnomAD no frequency). This variant has not been reported in the literature in individuals affected with CTNNA1-related conditions. ClinVar contains an entry for this variant (Variation ID: 1357805). Invitae Evidence Modeling of protein sequence and biophysical properties (such as structural, functional, and spatial information, amino acid conservation, physicochemical variation, residue mobility, and thermodynamic stability) indicates that this missense variant is not expected to disrupt CTNNA1 protein function with a negative predictive value of 80%. In summary, the available evidence is currently insufficient to determine the role of this variant in disease. Therefore, it has been classified as a Variant of Uncertain Significance.

Ambry Genetics
Classification: Likely benign for Hereditary cancer-predisposing syndrome. Last evaluated: 2024-12-28. Review status: criteria provided, single submitter. Criteria: Ambry Variant Classification Scheme 2023. Collection method: clinical testing. Allele origin: germline.

NM_001903.5(CTNNA1):c.891C>A (p.Ser297Arg)

Gene: CTNNA1 (catenin alpha 1; plus strand). Cytogenetic location: 5q31.2.
Variant type: single nucleotide variant.
Coding change: c.891C>A on transcript NM_001903.5 (MANE Select); coding-DNA position 891, C replaced by A.
Protein change: p.Ser297Arg; replaces serine 297 with arginine.
Molecular consequence: missense variant.
Genome position (GRCh38, 1-based): chr5:138,827,547, C>A. VCF-style: chr5-138827547-C-A. GRCh37 (hg19) VCF-style: chr5-138163236-C-A.
Other names: c.891C>A, p.Ser297Arg (NM_001290307.3, NM_001323982.2, NM_001323983.1 and 3 more transcripts); c.582C>A, p.Ser194Arg (NM_001290309.3); c.522C>A, p.Ser174Arg (NM_001290310.3); short protein forms S194R, S174R, S297R.
Identifiers: ClinVar variation 1357805 (VCV001357805.9), dbSNP rs753897960, ClinGen allele CA361130735.